The following is an entry in ClinVar:

NM_000237.3(LPL):c.264T>A (p.Tyr88Ter)

Gene: LPL (lipoprotein lipase; plus strand). Cytogenetic location: 8p21.3.
Variant type: single nucleotide variant.
Coding change: c.264T>A on transcript NM_000237.3 (MANE Select); coding-DNA position 264, T replaced by A.
Protein change: p.Tyr88Ter; replaces tyrosine 88 with a stop codon.
Molecular consequence: nonsense.
Genome position (GRCh38, 1-based): chr8:19,951,783, T>A. VCF-style: chr8-19951783-T-A. GRCh37 (hg19) VCF-style: chr8-19809294-T-A.
Other names: Y61*; short protein forms Y88*.
Identifiers: ClinVar variation 1536 (VCV000001536.3), dbSNP rs118204065, ClinGen allele CA251873.
Genomic context (GRCh38, chr8:19,951,783, plus strand): 5'-AAGTGGTAGGTGGGTATTTTAAGAAAGCTTGTGTCATCATCTTCAGGTAACAGGAATGTA[T>A]GAGAGTTGGGTGCCAAAACTTGTGGCCGCCCTGTACAAGAGAGAACCAGACTCCAATGTC-3'

ClinVar aggregate classification (germline): Pathogenic. Review status: criteria provided, single submitter (1 of 4 stars). 2 submissions from 2 submitters: Pathogenic (1). 1 of the submissions does not count toward it. Last evaluated 2022-03-25.

Conditions:
Cardiovascular phenotype. Identifiers: MedGen CN230736.
Hyperlipoproteinemia, type I. Also called: Lipoprotein Lipase Deficiency; Lipase D deficiency; Familial Lipoprotein Lipase Deficiency; Hyperlipoproteinemia type 1; Hyperchylomicro-nemia familial; Familial chylomicronemia. Identifiers: Orphanet 309015, Orphanet 444490, MedGen C0023817, MONDO:0009387, OMIM 238600. Disease mechanism: loss of function.

Allele frequency attached by ClinVar (database versions not stated): gnomAD exomes below 0.00001; TOPMed below 0.00001; ExAC 0.00001.
gnomAD v4.1: 4 of 1,614,112 alleles (0.00025%); highest among the groups gnomAD compares: East Asian, 0.0089%; no homozygotes.

Submissions (2):

Ambry Genetics
Classification: Pathogenic for Cardiovascular phenotype. Last evaluated: 2022-03-25. Review status: criteria provided, single submitter. Criteria: Ambry Variant Classification Scheme 2023. Collection method: clinical testing. Allele origin: germline.
Comment: The p.Y88* pathogenic mutation (also known as c.264T>A), located in coding exon 3 of the LPL gene, results from a T to A substitution at nucleotide position 264. This changes the amino acid from a tyrosine to a stop codon within coding exon 3. This variant (also reported with legacy nomenclature p.Y61*) has been detected in the homozygous state or in trans with another pathogenic LPL variant in multiple individuals with LPL-related chylomicronemia syndrome (Gotoda T et al. J Clin Invest, 1991 12;88:1856-64; Gotoda T et al. Biochim Biophys Acta, 1992 Apr;1138:353-6; Ebara T et al. Atherosclerosis, 2001 Dec;159:375-9; Rabacchi C et al. Atherosclerosis, 2015 Jul;241:79-86; Tanaka S et al. Intern Med, 2019 Jan;58:251-257). In addition to the clinical data in the literature, this alteration is expected to result in loss of function by premature protein truncation or nonsense-mediated mRNA decay. As such, this alteration is interpreted as a disease-causing mutation.

OMIM
Classification: Pathogenic for LIPOPROTEIN LIPASE DEFICIENCY. Last evaluated: 1992-04-14. Review status: no assertion criteria provided. Collection method: literature only. Allele origin: germline. Not counted in ClinVar's aggregate classification.

Literature cited by the submitters: PubMed 11730817 (cited by Ambry Genetics); PubMed 1562620 (cited by Ambry Genetics and OMIM); PubMed 1752947 (cited by Ambry Genetics and OMIM); PubMed 25966443 (cited by Ambry Genetics); PubMed 28958672 (cited by Ambry Genetics); PubMed 30210108 (cited by Ambry Genetics).